The following is an entry in ClinVar:

ClinVar aggregate classification (germline): Likely benign. Review status: criteria provided, multiple submitters, no conflicts (2 of 4 stars). 7 submissions from 7 submitters: Likely benign (4). 3 of the submissions do not count toward it. Last evaluated 2025-05-27.

Conditions:
Cardiovascular phenotype. Identifiers: MedGen CN230736.
Catecholaminergic polymorphic ventricular tachycardia (CVPT). Also called: Catecholamine-induced polymorphic ventricular tachycardia. Identifiers: Orphanet 3286, MedGen C5574922, MONDO:0017990.
Cardiomyopathy (CMYO). Also called: Cardiomyopathies. Identifiers: Orphanet 167848, MedGen C0878544, MONDO:0004994, HP:0001638. Inheritance: Various modes of inheritance.
Catecholaminergic polymorphic ventricular tachycardia 1. Also called: VENTRICULAR TACHYCARDIA, CATECHOLAMINERGIC POLYMORPHIC, 1, WITH OR WITHOUT ATRIAL DYSFUNCTION AND/OR DILATED CARDIOMYOPATHY; RYR2-Related Catecholaminergic Polymorphic Ventricular Tachycardia; VENTRICULAR TACHYCARDIA, STRESS-INDUCED POLYMORPHIC 1. Identifiers: Orphanet 3286, MedGen C1631597, MONDO:0011484, OMIM 604772.

Allele frequency attached by ClinVar (database versions not stated): TOPMed 0.00001; ExAC 0.00002; gnomAD exomes 0.00002; gnomAD 0.00004 and 0.00005; ESP Exome Variant Server 0.00008.
gnomAD v4.1: 35 of 1,613,448 alleles (0.0022%); highest among the groups gnomAD compares: African/African-American, 0.004%; no homozygotes.

Submissions (7):

Labcorp Genetics (formerly Invitae), Labcorp
Classification: Likely benign for Catecholaminergic polymorphic ventricular tachycardia 1. Last evaluated: 2025-05-27. Review status: criteria provided, single submitter. Criteria: Invitae Variant Classification Sherloc (09022015). Collection method: clinical testing. Allele origin: germline.

All of Us Research Program, National Institutes of Health
Classification: Likely benign for Catecholaminergic polymorphic ventricular tachycardia. Last evaluated: 2023-11-30. Review status: criteria provided, single submitter. Criteria: ACMG Guidelines, 2015. Collection method: clinical testing. Allele origin: germline. Inheritance: Autosomal dominant inheritance. Observed: 4 variant alleles, 4 heterozygotes.
Comment: This study involves interpretation of variants in research participants for the purpose of population health screening. Participant phenotype was not available at the time of variant classification. Additional details can be found in publication PMID: 35346344, PMCID: PMC8962531

Color Diagnostics, LLC DBA Color Health
Classification: Likely benign for Cardiomyopathy. Last evaluated: 2019-11-20. Review status: criteria provided, single submitter. Criteria: ACMG Guidelines, 2015. Collection method: clinical testing. Allele origin: germline.

Ambry Genetics
Classification: Likely benign for Cardiovascular phenotype. Last evaluated: 2019-09-02. Review status: criteria provided, single submitter. Criteria: Ambry Variant Classification Scheme 2023. Collection method: clinical testing. Allele origin: germline.

Clinical Genetics DNA and cytogenetics Diagnostics Lab, Erasmus MC, Erasmus Medical Center
Classification: Likely benign. Review status: no assertion criteria provided. Collection method: clinical testing. Allele origin: germline. Affected: yes. Study: VKGL Data-share Consensus. Not counted in ClinVar's aggregate classification.

Clinical Genetics, Academic Medical Center
Classification: Benign. Review status: no assertion criteria provided. Collection method: clinical testing. Allele origin: germline. Affected: yes. Study: VKGL Data-share Consensus. Not counted in ClinVar's aggregate classification.

Diagnostic Laboratory, Department of Genetics, University Medical Center Groningen
Classification: Likely benign. Review status: no assertion criteria provided. Collection method: clinical testing. Allele origin: germline. Affected: yes. Study: VKGL Data-share Consensus. Not counted in ClinVar's aggregate classification.

NM_001035.3(RYR2):c.12189G>A (p.Thr4063=)

Gene: RYR2 (ryanodine receptor 2; plus strand). Cytogenetic location: 1q43.
Variant type: single nucleotide variant.
Coding change: c.12189G>A on transcript NM_001035.3 (MANE Select); coding-DNA position 12189, G replaced by A.
Protein change: p.Thr4063=; no amino-acid change (threonine 4063 retained).
Molecular consequence: synonymous variant.
Genome position (GRCh38, 1-based): chr1:237,783,901, G>A. VCF-style: chr1-237783901-G-A. GRCh37 (hg19) VCF-style: chr1-237947201-G-A.
Other names: c.12189G>A (NM_001035.2).
Identifiers: ClinVar variation 919454 (VCV000919454.21), dbSNP rs368948386, ClinGen allele CA085141.
Genomic context (GRCh38, chr1:237,783,901, plus strand): 5'-TTCCAAGAGGGACTTCCACAAAGCGATGGAGAGCCATAAGCACTACACGCAGTCAGAAAC[G>A]GAATTTCTTTTGTCTTGTGCGGAGACGGATGAGAATGAAACCCTCGACTACGAAGAGTTC-3'
Protein context (NP_001026.2, residues 4053-4073): ESHKHYTQSE[Thr4063=]EFLLSCAETD